The following is an entry in ClinVar:

NM_005654.6(NR2F1):c.547T>A (p.Cys183Ser)

Gene: NR2F1 (nuclear receptor subfamily 2 group F member 1; plus strand). Cytogenetic location: 5q15.
Variant type: single nucleotide variant.
Coding change: c.547T>A on transcript NM_005654.6 (MANE Select); coding-DNA position 547, T replaced by A.
Protein change: p.Cys183Ser; replaces cysteine 183 with serine.
Molecular consequence: missense variant.
Genome position (GRCh38, 1-based): chr5:93,588,000, T>A. VCF-style: chr5-93588000-T-A. GRCh37 (hg19) VCF-style: chr5-92923706-T-A.
Other names: short protein forms C183S.
Identifiers: ClinVar variation 1310065 (VCV001310065.3), dbSNP rs771713174, ClinGen allele CA3343159.
Genomic context (GRCh38, chr5:93,588,000, plus strand): 5'-CCAACCCAGCCCAATCCAGGCCAGTACGCACTCACCAACGGGGACCCCCTCAACGGCCAC[T>A]GCTACCTGTCCGGCTACATCTCGCTGCTGCTGCGCGCCGAGCCCTACCCCACGTCGCGCT-3'
Protein context (NP_005645.1, residues 173-193): LTNGDPLNGH[Cys183Ser]YLSGYISLLL

ClinVar aggregate classification (germline): Uncertain significance. Review status: criteria provided, multiple submitters, no conflicts (2 of 4 stars). 2 submissions from 2 submitters: Uncertain significance (2). Last evaluated 2025-09-01.

Conditions:
Inborn genetic diseases. Identifiers: MedGen C0950123, MeSH D030342.

Allele frequency attached by ClinVar (database versions not stated): gnomAD exomes below 0.00001 and 0.00001; TOPMed below 0.00001; ExAC 0.00001; gnomAD 0.00001.

Submissions (2):

Ambry Genetics
Classification: Uncertain significance for Inborn genetic diseases. Last evaluated: 2025-09-01. Review status: criteria provided, single submitter. Criteria: Ambry Variant Classification Scheme 2023. Collection method: clinical testing. Allele origin: germline.

GeneDx
Classification: Uncertain significance. Last evaluated: 2019-11-13. Review status: criteria provided, single submitter. Criteria: GeneDx Variant Classification Process June 2021. Collection method: clinical testing. Allele origin: germline. Affected: yes.
Comment: In silico analysis, which includes protein predictors and evolutionary conservation, supports that this variant does not alter protein structure/function; Has not been previously published as pathogenic or benign to our knowledge